The following is an entry in ClinVar:

NM_000827.4(GRIA1):c.692C>G (p.Ala231Gly)

Gene: GRIA1 (glutamate ionotropic receptor AMPA type subunit 1; plus strand). Cytogenetic location: 5q33.2.
Variant type: single nucleotide variant.
Coding change: c.692C>G on transcript NM_000827.4 (MANE Select); coding-DNA position 692, C replaced by G.
Protein change: p.Ala231Gly; replaces alanine 231 with glycine.
Molecular consequence: missense variant. On other transcripts: non-coding transcript variant (2).
Genome position (GRCh38, 1-based): chr5:153,655,865, C>G. VCF-style: chr5-153655865-C-G. GRCh37 (hg19) VCF-style: chr5-153035425-C-G.
Other names: c.692C>G, p.Ala231Gly (NM_001114183.2, NM_001364165.2); c.452C>G, p.Ala151Gly (NM_001258019.2); c.407C>G, p.Ala136Gly (NM_001258020.2); c.722C>G, p.Ala241Gly (NM_001258021.2, NM_001258022.2); c.485C>G, p.Ala162Gly (NM_001258023.1, NM_001364167.2); c.719C>G, p.Ala240Gly (NM_001364166.2); short protein forms A240G, A241G, A136G, A231G, A151G, A162G.
Identifiers: ClinVar variation 3522565 (VCV003522565.2).

ClinVar aggregate classification (germline): Uncertain significance. Review status: criteria provided, multiple submitters, no conflicts (2 of 4 stars). 2 submissions from 2 submitters: Uncertain significance (2). Last evaluated 2025-04-30.

Conditions:
Inborn genetic diseases. Identifiers: MedGen C0950123, MeSH D030342.

gnomAD v4.1: 2 of 1,613,056 alleles (0.00012%); highest among the groups gnomAD compares: Admixed American, 0.0017%; no homozygotes.

Submissions (2):

Labcorp Genetics (formerly Invitae), Labcorp
Classification: Uncertain significance. Last evaluated: 2025-04-30. Review status: criteria provided, single submitter. Criteria: Invitae Variant Classification Sherloc (09022015). Collection method: clinical testing. Allele origin: germline.
Comment: This sequence change replaces alanine, which is neutral and non-polar, with glycine, which is neutral and non-polar, at codon 231 of the GRIA1 protein (p.Ala231Gly). This variant is not present in population databases (gnomAD no frequency). This variant has not been reported in the literature in individuals affected with GRIA1-related conditions. ClinVar contains an entry for this variant (Variation ID: 3522565). Invitae Evidence Modeling of protein sequence and biophysical properties (such as structural, functional, and spatial information, amino acid conservation, physicochemical variation, residue mobility, and thermodynamic stability) indicates that this missense variant is not expected to disrupt GRIA1 protein function with a negative predictive value of 80%. In summary, the available evidence is currently insufficient to determine the role of this variant in disease. Therefore, it has been classified as a Variant of Uncertain Significance.

Ambry Genetics
Classification: Uncertain significance for Inborn genetic diseases. Last evaluated: 2024-08-20. Review status: criteria provided, single submitter. Criteria: Ambry Variant Classification Scheme 2023. Collection method: clinical testing. Allele origin: germline.